The following is an entry in ClinVar:

ClinVar aggregate classification (germline): Uncertain significance (1 of 4 stars; one submission).

Conditions:
Congenital myotonia, autosomal recessive form. Also called: BECKER DISEASE; Becker Generalized Myotonia; myotonia congenita, autosomal recessive. Identifiers: Orphanet 614, MedGen C0751360, MONDO:0009715, OMIM 255700.
Congenital myotonia, autosomal dominant form (THD). Also called: THOMSEN DISEASE; Myotonia congenita autosomal dominant. Identifiers: Orphanet 614, MedGen C2936781, MONDO:0008055, OMIM 160800.

Allele frequency attached by ClinVar (database versions not stated): gnomAD exomes below 0.00001.
gnomAD v4.1: 1 of 1,613,608 alleles (0.000062%); highest among the groups gnomAD compares: South Asian, 0.0011%; no homozygotes.

Submission:

Labcorp Genetics (formerly Invitae), Labcorp
Classification: Uncertain significance for Congenital myotonia, autosomal recessive form; Congenital myotonia, autosomal dominant form. Last evaluated: 2023-11-27. Review status: criteria provided, single submitter. Criteria: Invitae Variant Classification Sherloc (09022015). Collection method: clinical testing. Allele origin: germline.
Comment: This sequence change replaces proline, which is neutral and non-polar, with leucine, which is neutral and non-polar, at codon 36 of the CLCN1 protein (p.Pro36Leu). This variant is not present in population databases (gnomAD no frequency). This variant has not been reported in the literature in individuals affected with CLCN1-related conditions. ClinVar contains an entry for this variant (Variation ID: 2113887). Advanced modeling of protein sequence and biophysical properties (such as structural, functional, and spatial information, amino acid conservation, physicochemical variation, residue mobility, and thermodynamic stability) has been performed at Invitae for this missense variant, however the output from this modeling did not meet the statistical confidence thresholds required to predict the impact of this variant on CLCN1 protein function. In summary, the available evidence is currently insufficient to determine the role of this variant in disease. Therefore, it has been classified as a Variant of Uncertain Significance.

NM_000083.3(CLCN1):c.107C>T (p.Pro36Leu)

Gene: CLCN1 (chloride voltage-gated channel 1; plus strand). Cytogenetic location: 7q34.
Variant type: single nucleotide variant.
Coding change: c.107C>T on transcript NM_000083.3 (MANE Select); coding-DNA position 107, C replaced by T.
Protein change: p.Pro36Leu; replaces proline 36 with leucine.
Molecular consequence: missense variant. On other transcripts: non-coding transcript variant (1).
Genome position (GRCh38, 1-based): chr7:143,316,319, C>T. VCF-style: chr7-143316319-C-T. GRCh37 (hg19) VCF-style: chr7-143013412-C-T.
Other names: short protein forms P36L.
Identifiers: ClinVar variation 2113887 (VCV002113887.4), dbSNP rs2487015718, ClinGen allele CA369677129.
Genomic context (GRCh38, chr7:143,316,319, plus strand): 5'-GGGGTAGTGACCCCCAGTACCAGTATATGCCCTTTGAACACTGCACCAGCTACGGACTGC[C>T]CTCTGAGAATGGGGGCCTCCAGCACAGGCTCCGGAAGGATGCAGGCCCCCGCCACAACGT-3'
Protein context (NP_000074.3, residues 26-46): PFEHCTSYGL[Pro36Leu]SENGGLQHRL